The following is an entry in ClinVar:

NM_001009944.3(PKD1):c.3068A>C (p.Gln1023Pro)

Gene: PKD1 (polycystin 1, transient receptor potential channel interacting; minus strand). Cytogenetic location: 16p13.3.
Variant type: single nucleotide variant.
Coding change: c.3068A>C on transcript NM_001009944.3 (MANE Select); coding-DNA position 3068, A replaced by C.
Protein change: p.Gln1023Pro; replaces glutamine 1023 with proline.
Molecular consequence: missense variant.
Genome position (GRCh38, 1-based): chr16:2,112,881, T>G on the plus strand (A>C on the coding strand, the complement: PKD1 is on the minus strand). VCF-style: chr16-2112881-T-G. GRCh37 (hg19) VCF-style: chr16-2162882-T-G.
Other names: c.3068A>C, p.Gln1023Pro (NM_000296.4); short protein forms Q1023P.
Identifiers: ClinVar variation 3907014 (VCV003907014.1).

ClinVar aggregate classification (germline): Uncertain significance (1 of 4 stars; one submission).

Submission:

Women's Health and Genetics/Laboratory Corporation of America, LabCorp
Classification: Uncertain significance. Last evaluated: 2025-06-18. Review status: criteria provided, single submitter. Criteria: LabCorp Variant Classification Summary - May 2015. Collection method: clinical testing. Allele origin: germline.
Comment: Variant summary: PKD1 c.3068A>C (p.Gln1023Pro) results in a non-conservative amino acid change in the encoded protein sequence. Algorithms developed to predict the effect of missense changes on protein structure and function are either unavailable or do not agree on the potential impact of this missense change. The variant was absent in 247074 control chromosomes. The available data on variant occurrences in the general population are insufficient to allow any conclusion about variant significance. To our knowledge, no occurrence of c.3068A>C in individuals affected with PKD1-Biallelic Autosomal Recessive Polycystic Kidney Disease and no experimental evidence demonstrating its impact on protein function have been reported. No submitters have cited clinical-significance assessments for this variant to ClinVar. Based on the evidence outlined above, the variant was classified as uncertain significance.